The following is an entry in ClinVar:

ClinVar aggregate classification (germline): Uncertain significance. Review status: criteria provided, multiple submitters, no conflicts (2 of 4 stars). 2 submissions from 2 submitters: Uncertain significance (2). Last evaluated 2022-06-10.

Allele frequency attached by ClinVar (database versions not stated): gnomAD 0.00001; TOPMed 0.00001.
gnomAD v4.1: 17 of 1,613,644 alleles (0.0011%); highest among the groups gnomAD compares: Non-Finnish European, 0.00051%; no homozygotes.

Submissions (2):

Labcorp Genetics (formerly Invitae), Labcorp
Classification: Uncertain significance. Last evaluated: 2022-06-10. Review status: criteria provided, single submitter. Criteria: Invitae Variant Classification Sherloc (09022015). Collection method: clinical testing. Allele origin: germline.
Comment: In summary, the available evidence is currently insufficient to determine the role of this variant in disease. Therefore, it has been classified as a Variant of Uncertain Significance. Algorithms developed to predict the effect of missense changes on protein structure and function are either unavailable or do not agree on the potential impact of this missense change (SIFT: "Deleterious"; PolyPhen-2: "Probably Damaging"; Align-GVGD: "Class C0"). This variant has not been reported in the literature in individuals affected with PROSC-related conditions. This variant is present in population databases (rs146142368, gnomAD 0.04%). This sequence change replaces methionine, which is neutral and non-polar, with leucine, which is neutral and non-polar, at codon 225 of the PROSC protein (p.Met225Leu).

Blueprint Genetics
Classification: Uncertain significance. Last evaluated: 2020-12-30. Review status: criteria provided, single submitter. Criteria: ACMG Guidelines, 2015. Collection method: clinical testing. Allele origin: germline.

NM_007198.4(PLPBP):c.673A>C (p.Met225Leu)

Gene: PLPBP (pyridoxal phosphate binding protein; plus strand). Cytogenetic location: 8p11.23.
Variant type: single nucleotide variant.
Coding change: c.673A>C on transcript NM_007198.4 (MANE Select); coding-DNA position 673, A replaced by C.
Protein change: p.Met225Leu; replaces methionine 225 with leucine.
Molecular consequence: missense variant.
Genome position (GRCh38, 1-based): chr8:37,775,993, A>C. VCF-style: chr8-37775993-A-C. GRCh37 (hg19) VCF-style: chr8-37633511-A-C.
Other names: c.703A>C, p.Met235Leu (NM_001349346.2); c.667A>C, p.Met223Leu (NM_001349347.2); c.517A>C, p.Met173Leu (NM_001349348.2); short protein forms M225L, M223L, M235L, M173L.
Identifiers: ClinVar variation 1946541 (VCV001946541.6), dbSNP rs146142368, ClinGen allele CA4711308.